The following is an entry in ClinVar:

ClinVar aggregate classification (germline): Likely benign. Review status: criteria provided, multiple submitters, no conflicts (2 of 4 stars). 2 submissions from 2 submitters: Likely benign (2). Last evaluated 2022-07-23.

Allele frequency attached by ClinVar (database versions not stated): gnomAD exomes below 0.00001 and 0.00002; ExAC 0.00003; TOPMed 0.00006; gnomAD 0.00007 and 0.00008.
gnomAD v4.1: 14 of 1,608,398 alleles (0.00087%); highest among the groups gnomAD compares: African/African-American, 0.016%; no homozygotes.

Submissions (2):

Labcorp Genetics (formerly Invitae), Labcorp
Classification: Likely benign. Last evaluated: 2022-07-23. Review status: criteria provided, single submitter. Criteria: Invitae Variant Classification Sherloc (09022015). Collection method: clinical testing. Allele origin: germline.

Laboratory for Molecular Medicine, Mass General Brigham Personalized Medicine
Classification: Likely benign. Last evaluated: 2013-07-09. Review status: criteria provided, single submitter. Criteria: LMM Criteria. Collection method: clinical testing. Allele origin: germline. Observed: 1 variant allele.
Comment: Ala990Ala in Exon 22 of TJP2: This variant is not expected to have clinical sig nificance because it does not alter an amino acid residue and is not located wit hin the splice consensus sequence.

NM_004817.4(TJP2):c.2970A>G (p.Ala990=)

Gene: TJP2 (tight junction protein 2; plus strand). Cytogenetic location: 9q21.11.
Variant type: single nucleotide variant.
Coding change: c.2970A>G on transcript NM_004817.4 (MANE Select); coding-DNA position 2970, A replaced by G.
Protein change: p.Ala990=; no amino-acid change (alanine 990 retained).
Molecular consequence: synonymous variant. On other transcripts: intron variant (6).
Genome position (GRCh38, 1-based): chr9:69,249,464, A>G. VCF-style: chr9-69249464-A-G. GRCh37 (hg19) VCF-style: chr9-71864380-A-G.
Other names: c.3063A>G, p.Ala1021= (NM_001170416.2); c.2895A>G, p.Ala965= (NM_001369870.1); c.2901A>G, p.Ala967= (NM_001369871.1); c.2982A>G, p.Ala994= (NM_001369875.1); c.2811+1240A>G (NM_001170414.2); c.2880+1240A>G (NM_201629.3, NM_001369872.1); c.2668-1571A>G (NM_001369873.1); c.2892+1240A>G (NM_001170415.1, NM_001369874.1).
Identifiers: ClinVar variation 165423 (VCV000165423.9), dbSNP rs727503481, ClinGen allele CA178194.